The following is an entry in ClinVar:

ClinVar aggregate classification (germline): Uncertain significance (1 of 4 stars; one submission).

gnomAD v4.1: 3 of 1,614,130 alleles (0.00019%); highest among the groups gnomAD compares: Middle Eastern, 0.016%; no homozygotes.

Submission:

Women's Health and Genetics/Laboratory Corporation of America, LabCorp
Classification: Uncertain significance. Last evaluated: 2024-05-14. Review status: criteria provided, single submitter. Criteria: LabCorp Variant Classification Summary - May 2015. Collection method: clinical testing. Allele origin: germline.
Comment: Variant summary: HBB c.*1G>A is located in the untranslated mRNA region downstream of the termination codon. The variant allele was found at a frequency of 8e-06 in 251368 control chromosomes (gnomAD). The available data on variant occurrences in the general population are insufficient to allow any conclusion about variant significance. c.*1G>A has been reported in the literature in an at least an individual who was heterozygous for the variant (Arpaci_2021). This report does not provide unequivocal conclusions about association of the variant with Beta Thalassemia. At least one publication reports experimental evidence evaluating an impact on protein function. These results showed no damaging effect of this variant (Targholi_2022). The following publications have been ascertained in the context of this evaluation (PMID: 33851260, 36847660). No submitters have cited clinical-significance assessments for this variant to ClinVar. Based on the evidence outlined above, the variant was classified as VUS-possibly benign.

Literature cited by the submitters: PubMed 33851260; PubMed 36847660.

NM_000518.5(HBB):c.*1G>A

Genes: HBB (hemoglobin subunit beta; minus strand), LOC107133510 (origin of replication at HBB; plus strand), LOC110006319 (beta-globin gene 3' regulatory region; plus strand). Cytogenetic location: 11p15.4.
Variant type: single nucleotide variant.
Coding change: c.*1G>A on transcript NM_000518.5 (MANE Select); 1 bases downstream of the stop codon, G replaced by A.
Molecular consequence: 3 prime UTR variant.
Genome position (GRCh38, 1-based): chr11:5,225,597, C>T on the plus strand (G>A on the coding strand, the complement: HBB is on the minus strand). VCF-style: chr11-5225597-C-T. GRCh37 (hg19) VCF-style: chr11-5246827-C-T.
Identifiers: ClinVar variation 3335957 (VCV003335957.1).